The following is an entry in ClinVar:

NM_016252.4(BIRC6):c.45G>A (p.Glu15=)

Gene: BIRC6 (baculoviral IAP repeat containing 6; plus strand). Cytogenetic location: 2p22.3.
Variant type: single nucleotide variant.
Coding change: c.45G>A on transcript NM_016252.4 (MANE Select); coding-DNA position 45, G replaced by A.
Protein change: p.Glu15=; no amino-acid change (glutamic acid 15 retained).
Molecular consequence: synonymous variant.
Genome position (GRCh38, 1-based): chr2:32,357,206, G>A. VCF-style: chr2-32357206-G-A. GRCh37 (hg19) VCF-style: chr2-32582274-G-A.
Identifiers: ClinVar variation 4983332 (VCV004983332.1).

ClinVar aggregate classification (germline): Likely benign (1 of 4 stars; one submission).

Conditions:
BIRC6-related disorder. Also called: BIRC6-related condition.

gnomAD v4.1: 47 of 1,539,560 alleles (0.0031%); highest among the groups gnomAD compares: Non-Finnish European, 0.0041%; no homozygotes.

Submission:

PreventionGenetics, part of Exact Sciences
Classification: Likely benign for BIRC6-related condition. Last evaluated: 2026-07-15. Review status: criteria provided, single submitter. Criteria: ACMG Guidelines, 2015. Collection method: clinical testing. Allele origin: germline.
Comment: This variant is classified as likely benign based on ACMG/AMP sequence variant interpretation guidelines (Richards et al. 2015 PMID: 25741868, with internal and published modifications).